The following is an entry in ClinVar:

NM_002474.3(MYH11):c.847A>C (p.Ile283Leu)

Gene: MYH11 (myosin heavy chain 11; minus strand). Cytogenetic location: 16p13.11.
Variant type: single nucleotide variant.
Coding change: c.847A>C on transcript NM_002474.3 (MANE Select); coding-DNA position 847, A replaced by C.
Protein change: p.Ile283Leu; replaces isoleucine 283 with leucine.
Molecular consequence: missense variant.
Genome position (GRCh38, 1-based): chr16:15,776,120, T>G on the plus strand (A>C on the coding strand, the complement: MYH11 is on the minus strand). VCF-style: chr16-15776120-T-G. GRCh37 (hg19) VCF-style: chr16-15869977-T-G.
Other names: c.868A>C, p.Ile290Leu (NM_001040113.2, NM_001040114.2); c.847A>C, p.Ile283Leu (NM_022844.3); c.847A>C (NM_002474.2); short protein forms I283L, I290L.
Identifiers: ClinVar variation 918254 (VCV000918254.10), dbSNP rs1680622570, ClinGen allele CA394869516.

ClinVar aggregate classification (germline): Uncertain significance. Review status: criteria provided, multiple submitters, no conflicts (2 of 4 stars). 4 submissions from 4 submitters: Uncertain significance (4). Last evaluated 2024-11-01.

Conditions:
Familial thoracic aortic aneurysm and aortic dissection (TAAD). Also called: Thoracic aortic aneurysms and dissections. Identifiers: Orphanet 91387, MedGen C4707243, MONDO:0019625.
Aortic aneurysm, familial thoracic 4 (AAT4). Also called: AORTIC ANEURYSM/AORTIC DISSECTION AND PATENT DUCTUS ARTERIOSUS. Identifiers: MedGen C1851504, MONDO:0007568, OMIM 132900.

Allele frequency attached by ClinVar (database versions not stated): gnomAD exomes below 0.00001; TOPMed below 0.00001.
gnomAD v4.1: 1 of 1,614,116 alleles (0.000062%); highest among the groups gnomAD compares: Admixed American, 0.0017%; no homozygotes.

Submissions (4):

Ambry Genetics
Classification: Uncertain significance for Familial thoracic aortic aneurysm and aortic dissection. Last evaluated: 2024-11-01. Review status: criteria provided, single submitter. Criteria: Ambry Variant Classification Scheme 2023. Collection method: clinical testing. Allele origin: germline.
Comment: The p.I283L variant (also known as c.847A>C), located in coding exon 7 of the MYH11 gene, results from an A to C substitution at nucleotide position 847. The isoleucine at codon 283 is replaced by leucine, an amino acid with highly similar properties. This amino acid position is conserved. In addition, the in silico prediction for this alteration is inconclusive. Based on the available evidence, the clinical significance of this variant remains unclear.

Labcorp Genetics (formerly Invitae), Labcorp
Classification: Uncertain significance for Aortic aneurysm, familial thoracic 4. Last evaluated: 2024-09-30. Review status: criteria provided, single submitter. Criteria: Invitae Variant Classification Sherloc (09022015). Collection method: clinical testing. Allele origin: germline.
Comment: This sequence change replaces isoleucine, which is neutral and non-polar, with leucine, which is neutral and non-polar, at codon 290 of the MYH11 protein (p.Ile290Leu). This variant is not present in population databases (gnomAD no frequency). This variant has not been reported in the literature in individuals affected with MYH11-related conditions. ClinVar contains an entry for this variant (Variation ID: 918254). Invitae Evidence Modeling of protein sequence and biophysical properties (such as structural, functional, and spatial information, amino acid conservation, physicochemical variation, residue mobility, and thermodynamic stability) indicates that this missense variant is not expected to disrupt MYH11 protein function with a negative predictive value of 80%. In summary, the available evidence is currently insufficient to determine the role of this variant in disease. Therefore, it has been classified as a Variant of Uncertain Significance.

All of Us Research Program, National Institutes of Health
Classification: Uncertain significance for Familial thoracic aortic aneurysm and aortic dissection. Last evaluated: 2024-09-23. Review status: criteria provided, single submitter. Criteria: ACMG Guidelines, 2015. Collection method: clinical testing. Allele origin: germline. Inheritance: Autosomal dominant inheritance. Observed: 1 variant allele, 1 heterozygote.
Comment: Variant of Uncertain Significance due to insufficient evidence: This missense variant replaces isoleucine with leucine at codon 290 of the MYH11 protein. Computational prediction tools and conservation analyses suggest that this variant may have deleterious impact on the protein function. Computational splicing tools suggest that this variant may not impact RNA splicing. To our knowledge, functional assays have not been performed for this variant nor has this variant been reported in individuals affected with cardiovascular disorders in the literature. This variant has not been identified in the general population by the Genome Aggregation Database (gnomAD). Available evidence is insufficient to determine the role of this variant in disease conclusively.

This study involves interpretation of variants in research participants for the purpose of population health screening. Participant phenotype was not available at the time of variant classification. Additional details can be found in publication PMID: 35346344, PMCID: PMC8962531

Color Diagnostics, LLC DBA Color Health
Classification: Uncertain significance for Familial thoracic aortic aneurysm and aortic dissection. Last evaluated: 2023-12-05. Review status: criteria provided, single submitter. Criteria: ACMG Guidelines, 2015. Collection method: clinical testing. Allele origin: germline.
Comment: Variant of Uncertain Significance due to insufficient evidence: This missense variant replaces isoleucine with leucine at codon 290 of the MYH11 protein. Computational prediction tools and conservation analyses suggest that this variant may have deleterious impact on the protein function. Computational splicing tools suggest that this variant may not impact RNA splicing. To our knowledge, functional assays have not been performed for this variant nor has this variant been reported in individuals affected with cardiovascular disorders in the literature. This variant has not been identified in the general population by the Genome Aggregation Database (gnomAD). Available evidence is insufficient to determine the role of this variant in disease conclusively.